The following is an entry in ClinVar:

NM_007294.4(BRCA1):c.882del (p.Asp295fs)

Gene: BRCA1 (BRCA1 DNA repair associated; minus strand). Cytogenetic location: 17q21.31.
Variant type: Deletion.
Coding change: c.882del on transcript NM_007294.4 (MANE Select); coding-DNA position 882, one base deleted (A; older notation c.882delA).
Protein change: p.Asp295fs; shifts the reading frame from aspartic acid 295.
Molecular consequence: frameshift variant. On other transcripts: 5 prime UTR variant (2), intron variant (137).
Genome position (GRCh38, 1-based): chr17:43,094,649, T deleted on the plus strand (A on the coding strand, the reverse complement: BRCA1 is on the minus strand); the first of 3 consecutive T bases (chr17:43,094,649-43,094,651); deleting any one gives the same sequence. VCF-style (leftmost placement, unchanged base first): chr17-43094648-CT-C. GRCh37 (hg19) VCF-style: chr17-41246665-CT-C.
Other names: 1001delA; c.882delA (NM_007294.3); c.882del, p.Asp295fs (NM_001407602.1, NM_001407603.1, NM_001407605.1 and 30 more transcripts); c.879del, p.Asp294fs (NM_001407610.1, NM_001407611.1, NM_001407612.1 and 22 more transcripts); c.873del, p.Asp292fs (NM_001407646.1, NM_001407647.1); c.759del, p.Asp254fs (NM_001407648.1, NM_001407664.1, NM_001407665.1 and 19 more transcripts); c.756del, p.Asp253fs (NM_001407649.1, NM_001407670.1, NM_001407671.1 and 11 more transcripts); c.804del, p.Asp269fs (NM_001407653.1, NM_001407654.1, NM_001407655.1 and 4 more transcripts); and 42 more; short protein forms D295fs, D248fs, D127fs, D247fs, D168fs, D183fs, D206fs, D224fs.
Identifiers: ClinVar variation 125465 (VCV000125465.23), dbSNP rs80357587, ClinGen allele CA003945.

ClinVar aggregate classification (germline): Pathogenic. Review status: reviewed by expert panel (3 of 4 stars). 8 submissions from 8 submitters: Pathogenic (1). 7 of the submissions do not count toward it. Last evaluated 2016-09-08.

Conditions:
Hereditary cancer-predisposing syndrome. Also called: Tumor predisposition; Hereditary neoplastic syndrome; Hereditary Cancer Syndrome; Neoplastic Syndromes, Hereditary. Identifiers: Orphanet 140162, MedGen C0027672, MeSH D009386, MONDO:0015356.
BRCA1-related cancer predisposition. Identifiers: MedGen CN377757, MONDO:0700268.
Hereditary breast ovarian cancer syndrome. Also called: Hereditary breast and/or ovarian cancer syndrome; Breast and ovarian cancer; Hereditary breast and ovarian cancer syndrome; Hereditary breast and ovarian cancer; Hereditary breast and ovarian cancer syndrome (HBOC); BRCA1- and BRCA2-Associated Hereditary Breast and Ovarian Cancer. Identifiers: Orphanet 145, MedGen C0677776, MeSH D061325, MONDO:0003582. Disease mechanism: loss of function.
Breast-ovarian cancer, familial, susceptibility to, 1 (BROVCA1). Also called: BRCA1 Hereditary Breast and Ovarian Cancer; OVARIAN CANCER, SUSCEPTIBILITY TO. Identifiers: Orphanet 145, MedGen C2676676, MONDO:0011450, OMIM 604370. Disease mechanism: loss of function.

Submissions (8):

Evidence-based Network for the Interpretation of Germline Mutant Alleles (ENIGMA)
Classification: Pathogenic for Breast-ovarian cancer, familial, susceptibility to, 1. Last evaluated: 2016-09-08. Review status: reviewed by expert panel. Criteria: ENIGMA BRCA1/2 Classification Criteria (2015). Collection method: curation. Allele origin: germline.
Comment: Variant allele predicted to encode a truncated non-functional protein.

Ambry Genetics
Classification: Pathogenic for Hereditary cancer-predisposing syndrome. Last evaluated: 2025-08-18. Review status: criteria provided, single submitter. Criteria: Ambry Variant Classification Scheme 2023. Collection method: clinical testing. Allele origin: germline. Not counted in ClinVar's aggregate classification.
Comment: The c.882delA pathogenic mutation, located in coding exon 9 of the BRCA1 gene, results from a deletion of one nucleotide at nucleotide position 882, causing a translational frameshift with a predicted alternate stop codon (p.D295Tfs*3). This variant was identified in 1 of 154 individuals with triple negative breast cancer (Incorvaia L et al. Ther Adv Med Oncol, 2020 Dec;12:1758835920975326). This variant is considered to be rare based on population cohorts in the Genome Aggregation Database (gnomAD). This alteration is expected to result in loss of function by premature protein truncation or nonsense-mediated mRNA decay. As such, this alteration is interpreted as a disease-causing mutation.

Labcorp Genetics (formerly Invitae), Labcorp
Classification: Pathogenic for Hereditary breast ovarian cancer syndrome. Last evaluated: 2025-06-22. Review status: criteria provided, single submitter. Criteria: Invitae Variant Classification Sherloc (09022015). Collection method: clinical testing. Allele origin: germline. Not counted in ClinVar's aggregate classification.
Comment: This sequence change creates a premature translational stop signal (p.Asp295Thrfs*3) in the BRCA1 gene. It is expected to result in an absent or disrupted protein product. Loss-of-function variants in BRCA1 are known to be pathogenic (PMID: 20104584). This variant is not present in population databases (gnomAD no frequency). This premature translational stop signal has been observed in individual(s) with clinical features of BRCA1-related conditions (PMID: 10923033, 21520333). ClinVar contains an entry for this variant (Variation ID: 125465). For these reasons, this variant has been classified as Pathogenic.

All of Us Research Program, National Institutes of Health
Classification: Pathogenic for BRCA1-related cancer predisposition. Last evaluated: 2024-03-14. Review status: criteria provided, single submitter. Criteria: ACMG Guidelines, 2015. Collection method: clinical testing. Allele origin: germline. Inheritance: Autosomal dominant inheritance. Observed: 1 variant allele, 1 heterozygote. Not counted in ClinVar's aggregate classification.
Comment: This variant deletes 1 nucleotide in exon 10 of the BRCA1 gene, creating a frameshift and premature translation stop signal. This variant is expected to result in an absent or non-functional protein product. This variant has been reported in an individual affected with high-risk breast cancer (PMID: 32380732). This variant has not been identified in the general population by the Genome Aggregation Database (gnomAD). Loss of BRCA1 function is a known mechanism of disease. Based on the available evidence, this variant is classified as Pathogenic.

This study involves interpretation of variants in research participants for the purpose of population health screening. Participant phenotype was not available at the time of variant classification. Additional details can be found in publication PMID: 35346344, PMCID: PMC8962531

Color Diagnostics, LLC DBA Color Health
Classification: Pathogenic for Hereditary cancer-predisposing syndrome. Last evaluated: 2023-11-01. Review status: criteria provided, single submitter. Criteria: ACMG Guidelines, 2015. Collection method: clinical testing. Allele origin: germline. Not counted in ClinVar's aggregate classification.
Comment: This variant deletes 1 nucleotide in exon 10 of the BRCA1 gene, creating a frameshift and premature translation stop signal. This variant is expected to result in an absent or non-functional protein product. This variant has been reported in an individual affected with high-risk breast cancer (PMID: 32380732). This variant has not been identified in the general population by the Genome Aggregation Database (gnomAD). Loss of BRCA1 function is a known mechanism of disease. Based on the available evidence, this variant is classified as Pathogenic.

Women's Health and Genetics/Laboratory Corporation of America, LabCorp
Classification: Pathogenic for Hereditary breast ovarian cancer syndrome. Last evaluated: 2022-10-10. Review status: criteria provided, single submitter. Criteria: LabCorp Variant Classification Summary - May 2015. Collection method: clinical testing. Allele origin: germline. Not counted in ClinVar's aggregate classification.
Comment: Variant summary: BRCA1 c.882delA (p.Asp295ThrfsX3) results in a premature termination codon, predicted to cause a truncation of the encoded protein or absence of the protein due to nonsense mediated decay, which are commonly known mechanisms for disease. Truncations downstream of this position have been classified as pathogenic by our laboratory. The variant was absent in 251246 control chromosomes (gnomAD). c.882delA has been reported in the literature in at least one individual affected with breast and/or ovarian cancer (e.g. Rebbeck_2018, Incorvaia_2020). To our knowledge, no experimental evidence demonstrating an impact on protein function has been reported. Four submitters, including an expert panel (ENIGMA), have provided assessments for this variant to ClinVar after 2014 and all classified the variant as pathogenic. Based on the evidence outlined above, the variant was classified as pathogenic.

Consortium of Investigators of Modifiers of BRCA1/2 (CIMBA), c/o University of Cambridge
Classification: Pathogenic for Breast-ovarian cancer, familial, susceptibility to, 1. Last evaluated: 2015-10-02. Review status: criteria provided, single submitter. Criteria: CIMBA Mutation Classification guidelines May 2016. Collection method: clinical testing. Allele origin: germline. Not counted in ClinVar's aggregate classification.

Breast Cancer Information Core (BIC) (BRCA1)
Classification: Pathogenic for Breast-ovarian cancer, familial 1. Last evaluated: 2002-06-20. Review status: no assertion criteria provided. Collection method: clinical testing. Allele origin: germline. Affected: yes. Observed: 2 variant alleles. Not counted in ClinVar's aggregate classification.

Literature cited by the submitters: PubMed 33403015 (cited by Ambry Genetics); PubMed 20104584 (cited by Labcorp Genetics (formerly Invitae), Labcorp); PubMed 10923033 (cited by Labcorp Genetics (formerly Invitae), Labcorp); PubMed 21520333 (cited by Labcorp Genetics (formerly Invitae), Labcorp); PubMed 32380732 (cited by 3 submitters); PubMed 29446198 (cited by Women's Health and Genetics/Laboratory Corporation of America, LabCorp).